The following is an entry in ClinVar:

ClinVar aggregate classification (germline): Pathogenic (1 of 4 stars; one submission).

Conditions:
Pyruvate dehydrogenase E3-binding protein deficiency (PDHXD). Also called: Lacticacidemia due to PDX1 deficiency; PYRUVATE HYDROGENASE E3-BINDING PROTEIN DEFICIENCY; E3-Binding Protein (Component X) Deficiency; LACTIC ACIDEMIA DUE TO DEFECT IN LIPOYL-CONTAINING COMPONENT X OF THE PYRUVATE DEHYDROGENASE COMPLEX. Identifiers: Orphanet 255182, MedGen C1855553, MONDO:0009503, OMIM 245349.

Submission:

3billion
Classification: Pathogenic for Pyruvate dehydrogenase E3-binding protein deficiency. Last evaluated: 2025-09-08. Review status: criteria provided, single submitter. Criteria: ACMG Guidelines, 2015. Collection method: clinical testing. Allele origin: germline. Affected: yes.
Comment: The variant is not observed in the gnomAD v4.1.0 dataset. Predicted Consequence/Location: Frameshift: predicted to result in a loss or disruption of normal protein function through nonsense-mediated decay (NMD) or protein truncation. Multiple pathogenic variants are reported downstream of the variant. Therefore, this variant is classified as Pathogenic according to the recommendation of ACMG/AMP guideline.

NM_003477.3(PDHX):c.1125_1126insATAA (p.Pro376fs)

Gene: PDHX (pyruvate dehydrogenase complex component X; plus strand). Cytogenetic location: 11p13.
Variant type: Insertion.
Coding change: c.1125_1126insATAA on transcript NM_003477.3 (MANE Select); coding-DNA positions 1125 to 1126, ATAA inserted.
Protein change: p.Pro376fs; shifts the reading frame from proline 376.
Molecular consequence: frameshift variant.
Genome position: GRCh38 VCF-style: chr11-34984671-T-TATAA. GRCh37 (hg19) VCF-style: chr11-35006218-T-TATAA.
Other names: c.945_946insATAA, p.Pro316fs (NM_001135024.2); c.444_445insATAA, p.Pro149fs (NM_001166158.2); short protein forms P149fs, P316fs, P376fs.
Identifiers: ClinVar variation 4855239 (VCV004855239.1).